The following is an entry in ClinVar:

ClinVar aggregate classification (germline): Uncertain significance (1 of 4 stars; one submission).

Conditions:
Peroxisome biogenesis disorder 11A (Zellweger). Also called: Peroxisome biogenesis disorder 11A. Identifiers: Orphanet 912, MedGen C3554000, MONDO:0013949, OMIM 614883.

Allele frequency attached by ClinVar (database versions not stated): gnomAD exomes below 0.00001.
gnomAD v4.1: 3 of 1,613,642 alleles (0.00019%); highest among the groups gnomAD compares: Non-Finnish European, 0.00017%; no homozygotes.

Submission:

Labcorp Genetics (formerly Invitae), Labcorp
Classification: Uncertain significance for Peroxisome biogenesis disorder 11A (Zellweger). Last evaluated: 2024-02-23. Review status: criteria provided, single submitter. Criteria: Invitae Variant Classification Sherloc (09022015). Collection method: clinical testing. Allele origin: germline.
Comment: This sequence change replaces isoleucine, which is neutral and non-polar, with valine, which is neutral and non-polar, at codon 188 of the PEX13 protein (p.Ile188Val). This variant is present in population databases (no rsID available, gnomAD 0.01%). This variant has not been reported in the literature in individuals affected with PEX13-related conditions. ClinVar contains an entry for this variant (Variation ID: 1351753). Advanced modeling of protein sequence and biophysical properties (such as structural, functional, and spatial information, amino acid conservation, physicochemical variation, residue mobility, and thermodynamic stability) performed at Invitae indicates that this missense variant is not expected to disrupt PEX13 protein function with a negative predictive value of 80%. In summary, the available evidence is currently insufficient to determine the role of this variant in disease. Therefore, it has been classified as a Variant of Uncertain Significance.

NM_002618.4(PEX13):c.562A>G (p.Ile188Val)

Gene: PEX13 (peroxisomal biogenesis factor 13; plus strand). Cytogenetic location: 2p15.
Variant type: single nucleotide variant.
Coding change: c.562A>G on transcript NM_002618.4 (MANE Select); coding-DNA position 562, A replaced by G.
Protein change: p.Ile188Val; replaces isoleucine 188 with valine.
Molecular consequence: missense variant.
Genome position (GRCh38, 1-based): chr2:61,031,888, A>G. VCF-style: chr2-61031888-A-G. GRCh37 (hg19) VCF-style: chr2-61259023-A-G.
Other names: short protein forms I188V.
Identifiers: ClinVar variation 1351753 (VCV001351753.8), dbSNP rs1360784990, ClinGen allele CA346943878.